The following is an entry in ClinVar:

ClinVar aggregate classification (germline): Uncertain significance (1 of 4 stars; one submission).

Conditions:
Inborn genetic diseases. Identifiers: MedGen C0950123, MeSH D030342.

Submission:

Ambry Genetics
Classification: Uncertain significance for Inborn genetic diseases. Last evaluated: 2025-01-27. Review status: criteria provided, single submitter. Criteria: Ambry Variant Classification Scheme 2023. Collection method: clinical testing. Allele origin: germline.
Comment: The p.T839A variant (also known as c.2515A>G), located in coding exon 22 of the ANKRD26 gene, results from an A to G substitution at nucleotide position 2515. The threonine at codon 839 is replaced by alanine, an amino acid with similar properties. This amino acid position is conserved. In addition, this alteration is predicted to be tolerated by in silico analysis. Based on the available evidence, the clinical significance of this variant remains unclear.

NM_014915.3(ANKRD26):c.2515A>G (p.Thr839Ala)

Gene: ANKRD26 (ankyrin repeat domain containing 26; minus strand). Cytogenetic location: 10p12.1.
Variant type: single nucleotide variant.
Coding change: c.2515A>G on transcript NM_014915.3 (MANE Select); coding-DNA position 2515, A replaced by G.
Protein change: p.Thr839Ala; replaces threonine 839 with alanine.
Molecular consequence: missense variant.
Genome position (GRCh38, 1-based): chr10:27,037,915, T>C on the plus strand (A>G on the coding strand, the complement: ANKRD26 is on the minus strand). VCF-style: chr10-27037915-T-C. GRCh37 (hg19) VCF-style: chr10-27326844-T-C.
Other names: c.2512A>G, p.Thr838Ala (NM_001256053.2); short protein forms T838A, T839A.
Identifiers: ClinVar variation 3870825 (VCV003870825.1).